The following is an entry in ClinVar:

ClinVar aggregate classification (germline): Conflicting classifications of pathogenicity. Review status: criteria provided, conflicting classifications (1 of 4 stars). 4 submissions from 3 submitters: Uncertain significance (1); Benign (1); Likely benign (2). Last evaluated 2026-01-19.

Conditions:
Isolated microphthalmia 5. Also called: Posterior Microphthalmia with Retinitis Pigmentosa, Foveoschisis, and Optic Disc Drusen. Identifiers: Orphanet 251279, MedGen C1970236, MONDO:0012605, OMIM 611040.
Late-onset retinal degeneration (LORD). Also called: RETINAL DEGENERATION, LATE-ONSET, AUTOSOMAL DOMINANT. Identifiers: Orphanet 67042, MedGen C1854065, MONDO:0011579, OMIM 605670. Disease mechanism: loss of function.

Allele frequency attached by ClinVar (database versions not stated): ExAC 0.00028; gnomAD 0.00038 and 0.00039; gnomAD exomes 0.00040 and 0.00067; TOPMed 0.00042.
gnomAD v4.1: 945 of 1,510,452 alleles (0.063%); highest among the groups gnomAD compares: Non-Finnish European, 0.08%; 2 homozygotes.

Submissions (4):

Labcorp Genetics (formerly Invitae), Labcorp
Classification: Benign. Last evaluated: 2026-01-19. Review status: criteria provided, single submitter. Criteria: Invitae Variant Classification Sherloc (09022015). Collection method: clinical testing. Allele origin: germline.

Blueprint Genetics
Classification: Likely benign. Last evaluated: 2024-10-03. Review status: criteria provided, single submitter. Criteria: ACMG Guidelines, 2015. Collection method: clinical testing. Allele origin: germline.

Illumina Laboratory Services, Illumina
Classification: Uncertain significance for Isolated microphthalmia 5. Last evaluated: 2018-01-13. Review status: criteria provided, single submitter. Criteria: ICSL Variant Classification Criteria 13 December 2019. Collection method: clinical testing. Allele origin: germline.

Illumina Laboratory Services, Illumina
Classification: Likely benign for Late-onset retinal degeneration. Last evaluated: 2018-01-12. Review status: criteria provided, single submitter. Criteria: ICSL Variant Classification Criteria 13 December 2019. Collection method: clinical testing. Allele origin: germline.
Comment: This variant was observed in the ICSL laboratory as part of a predisposition screen in an ostensibly healthy population. It had not been previously curated by ICSL or reported in the Human Gene Mutation Database (HGMD: prior to June 1st, 2018), and was therefore a candidate for classification through an automated scoring system. Utilizing variant allele frequency, disease prevalence and penetrance estimates, and inheritance mode, an automated score was calculated to assess if this variant is too frequent to cause the disease. Based on the score and internal cut-off values, a variant classified as likely benign is not then subjected to further curation. The score for this variant resulted in a classification of likely benign for this disease.

NM_001278431.2(C1QTNF5):c.214+9G>A

Genes: C1QTNF5 (C1q and TNF related 5; minus strand), MFRP (membrane frizzled-related protein; minus strand). Cytogenetic location: 11q23.3.
Variant type: single nucleotide variant.
Coding change: c.214+9G>A on transcript NM_001278431.2 (MANE Select); 9 bases into the intron after coding-DNA position 214, G replaced by A.
Molecular consequence: intron variant.
Genome position (GRCh38, 1-based): chr11:119,340,175, C>T on the plus strand (G>A on the coding strand, the complement: C1QTNF5 is on the minus strand). VCF-style: chr11-119340175-C-T. GRCh37 (hg19) VCF-style: chr11-119210885-C-T.
Other names: c.214+9G>A (NM_015645.5); c.*1110+9G>A (NM_031433.4).
Identifiers: ClinVar variation 302930 (VCV000302930.15), dbSNP rs771777653, ClinGen allele CA6319989.